The following is an entry in ClinVar:

NM_001384140.1(PCDH15):c.1609G>A (p.Asp537Asn)

Gene: PCDH15 (protocadherin related 15; minus strand). Cytogenetic location: 10q21.1.
Variant type: single nucleotide variant.
Coding change: c.1609G>A on transcript NM_001384140.1 (MANE Select); coding-DNA position 1609, G replaced by A.
Protein change: p.Asp537Asn; replaces aspartic acid 537 with asparagine.
Molecular consequence: missense variant.
Genome position (GRCh38, 1-based): chr10:54,153,275, C>T on the plus strand (G>A on the coding strand, the complement: PCDH15 is on the minus strand). VCF-style: chr10-54153275-C-T. GRCh37 (hg19) VCF-style: chr10-55913035-C-T.
Other names: c.1624G>A, p.Asp542Asn (NM_001142763.2, NM_001142771.2); c.1609G>A, p.Asp537Asn (NM_001142764.2, NM_001142765.2, NM_001142766.2 and 6 more transcripts); c.1498G>A, p.Asp500Asn (NM_001142767.2); c.1543G>A, p.Asp515Asn (NM_001142768.2, NM_001142773.2, NM_001354404.2); c.1645G>A, p.Asp549Asn (NM_001142769.4); c.1630G>A, p.Asp544Asn (NM_001354411.2); short protein forms D537N, D542N, D544N, D500N, D549N, D515N.
Identifiers: ClinVar variation 1497084 (VCV001497084.6), dbSNP rs2044739140, ClinGen allele CA376519914.

ClinVar aggregate classification (germline): Uncertain significance (1 of 4 stars; one submission).

Allele frequency attached by ClinVar (database versions not stated): gnomAD exomes below 0.00001.
gnomAD v4.1: 2 of 1,613,800 alleles (0.00012%); highest among the groups gnomAD compares: South Asian, 0.0022%; no homozygotes.

Submission:

Labcorp Genetics (formerly Invitae), Labcorp
Classification: Uncertain significance. Last evaluated: 2024-01-02. Review status: criteria provided, single submitter. Criteria: Invitae Variant Classification Sherloc (09022015). Collection method: clinical testing. Allele origin: germline.
Comment: This sequence change replaces aspartic acid, which is acidic and polar, with asparagine, which is neutral and polar, at codon 537 of the PCDH15 protein (p.Asp537Asn). This variant is not present in population databases (gnomAD no frequency). This variant has not been reported in the literature in individuals affected with PCDH15-related conditions. ClinVar contains an entry for this variant (Variation ID: 1497084). Advanced modeling of protein sequence and biophysical properties (such as structural, functional, and spatial information, amino acid conservation, physicochemical variation, residue mobility, and thermodynamic stability) performed at Invitae indicates that this missense variant is expected to disrupt PCDH15 protein function with a positive predictive value of 80%. In summary, the available evidence is currently insufficient to determine the role of this variant in disease. Therefore, it has been classified as a Variant of Uncertain Significance.